The following is an entry in ClinVar:

ClinVar aggregate classification (germline): Pathogenic. Review status: criteria provided, multiple submitters, no conflicts (2 of 4 stars). 4 submissions from 4 submitters: Pathogenic (2). 2 of the submissions do not count toward it. Last evaluated 2026-05-27.

Conditions:
Niemann-Pick disease, type C2 (NPC2). Identifiers: Orphanet 646, MedGen C1843366, MONDO:0011873, OMIM 607625.

Submissions (4):

Myriad Genetics, Inc.
Classification: Pathogenic for Niemann-Pick disease, type C2. Last evaluated: 2026-05-27. Review status: criteria provided, single submitter. Criteria: Myriad Autosomal Dominant, Autosomal Recessive and X-Linked Classification Criteria (2023). Collection method: clinical testing. Allele origin: unknown.
Comment: NM_006432.3(NPC2):c.332delA(N111Ifs*5) is a frameshift variant classified as pathogenic in the context of Niemann-Pick disease type C2. N111Ifs*5 has been observed in a case with relevant disease (PMID: 11125141). Relevant functional assessments of this variant are not available in the literature. N111Ifs*5 has not been observed in referenced population frequency databases. In summary, NM_006432.3(NPC2):c.332delA(N111Ifs*5) is a frameshift variant in a gene where loss of function is a known mechanism of disease, is predicted to disrupt protein function, and has been observed more frequently in cases with the relevant disease than in healthy populations. Please note: this variant was assessed in the context of healthy population screening.

Natera, Inc.
Classification: Pathogenic for Niemann-Pick disease type C2. Last evaluated: 2025-08-22. Review status: criteria provided, single submitter. Criteria: Natera Variant Classification Schema (03/2026). Collection method: clinical testing. Allele origin: germline.
Comment: The c.332del variant in NPC2 is a frameshift variant predicted to shift the reading frame beginning at codon 111 and leads to a stop codon 5 codons downstream. This variant is expected to result in nonsense mediated decay, truncation, or a dysfunctional protein product. This variant is rare in the general population with a frequency below the threshold expected for the associated phenotype(s). This variant has been observed in one or more individuals affected with the associated recessive disease, as either homozygous or compound heterozygous with a second variant (PMID: 11125141). Given the available evidence, this variant is classified as Pathogenic.

OMIM
Classification: Pathogenic for NIEMANN-PICK DISEASE, TYPE C2. Last evaluated: 2000-12-22. Review status: no assertion criteria provided. Collection method: literature only. Allele origin: germline. Not counted in ClinVar's aggregate classification.

GeneReviews
No classification provided. Condition: Niemann-Pick disease, type C2. Review status: no classification provided. Collection method: literature only. Allele origin: unknown. Not counted in ClinVar's aggregate classification.

Literature cited by the submitters: PubMed 11125141 (cited by 3 submitters); PubMed 20301473 (cited by GeneReviews); NCBI Bookshelf NBK1296 (cited by GeneReviews).

NM_006432.5(NPC2):c.332del (p.Asn111fs)

Gene: NPC2 (NPC intracellular cholesterol transporter 2; minus strand). Cytogenetic location: 14q24.3.
Variant type: Deletion.
Coding change: c.332del on transcript NM_006432.5 (MANE Select); coding-DNA position 332, one base deleted (A; older notation c.332delA).
Protein change: p.Asn111fs; shifts the reading frame from asparagine 111.
Molecular consequence: frameshift variant.
Genome position (GRCh38, 1-based): chr14:74,484,446, T deleted on the plus strand (A on the coding strand, the reverse complement: NPC2 is on the minus strand); the first of 2 consecutive T bases (chr14:74,484,446-74,484,447); deleting either gives the same sequence. VCF-style (leftmost placement, unchanged base first): chr14-74484445-AT-A. GRCh37 (hg19) VCF-style: chr14-74951148-AT-A.
Other names: c.332del, p.Asn111fs (NM_001363688.1, NM_001375440.1); c.332del (NM_006432.4); short protein forms N111fs.
Identifiers: ClinVar variation 21459 (VCV000021459.10), dbSNP rs80358265, ClinGen allele CA342112.